The following is an entry in ClinVar:

ClinVar aggregate classification (germline): Likely benign. Review status: criteria provided, multiple submitters, no conflicts (2 of 4 stars). 2 submissions from 2 submitters: Likely benign (2). Last evaluated 2023-10-30.

Conditions:
Malignant hyperthermia, susceptibility to, 1 (MHS1). Also called: Anesthesia related hyperthermia; Malignant hyperpyrexia; Fulminating hyperpyrexia; Pharmacogenic myopathy; Malignant hyperthermia suceptibility 1; RYR1-Related Malignant Hyperthermia Susceptibility. Identifiers: Orphanet 423, MedGen C2930980, MONDO:0007783, OMIM 145600.
RYR1-related disorder. Also called: RYR1-related condition; RYR1-related disorders. Identifiers: MedGen CN239331.

gnomAD v4.1: 26 of 1,613,214 alleles (0.0016%); highest among the groups gnomAD compares: Non-Finnish European, 0.0021%; no homozygotes.

Submissions (2):

Labcorp Genetics (formerly Invitae), Labcorp
Classification: Likely benign for RYR1-related disorder. Last evaluated: 2023-10-30. Review status: criteria provided, single submitter. Criteria: Invitae Variant Classification Sherloc (09022015). Collection method: clinical testing. Allele origin: germline.

All of Us Research Program, National Institutes of Health
Classification: Likely benign for Malignant hyperthermia, susceptibility to, 1. Last evaluated: 2023-05-30. Review status: criteria provided, single submitter. Criteria: ACMG Guidelines, 2015. Collection method: clinical testing. Allele origin: germline. Inheritance: Autosomal dominant inheritance. Observed: 1 variant allele, 1 heterozygote.
Comment: This study involves interpretation of variants in research participants for the purpose of population health screening. Participant phenotype was not available at the time of variant classification. Additional details can be found in publication PMID: 35346344, PMCID: PMC8962531

NM_000540.3(RYR1):c.4218G>A (p.Thr1406=)

Gene: RYR1 (ryanodine receptor 1; plus strand). Cytogenetic location: 19q13.2.
Variant type: single nucleotide variant.
Coding change: c.4218G>A on transcript NM_000540.3 (MANE Select); coding-DNA position 4218, G replaced by A.
Protein change: p.Thr1406=; no amino-acid change (threonine 1406 retained).
Molecular consequence: synonymous variant.
Genome position (GRCh38, 1-based): chr19:38,475,375, G>A. VCF-style: chr19-38475375-G-A. GRCh37 (hg19) VCF-style: chr19-38966015-G-A.
Other names: c.4218G>A, p.Thr1406= (NM_001042723.2).
Identifiers: ClinVar variation 2742613 (VCV002742613.4), dbSNP rs1221732608, ClinGen allele CA507235847.
Genomic context (GRCh38, chr19:38,475,375, plus strand): 5'-CAGCTTCTTATTCAAGGCCAAGAAGGTCGCCATGATGACCCAGCCACCGGCCACCCCCAC[G>A]CTGCCCCGACTCCCTCACGACGTGGTGCCTGCAGACAACCGCGATGACCCCGAGATCATC-3'
Protein context (NP_000531.2, residues 1396-1416): AMMTQPPATP[Thr1406=]LPRLPHDVVP